The following is an entry in ClinVar:

NM_017755.6(NSUN2):c.117C>T (p.Pro39=)

Gene: NSUN2 (NOP2/Sun RNA methyltransferase 2; minus strand). Cytogenetic location: 5p15.31.
Variant type: single nucleotide variant.
Coding change: c.117C>T on transcript NM_017755.6 (MANE Select); coding-DNA position 117, C replaced by T.
Protein change: p.Pro39=; no amino-acid change (proline 39 retained).
Molecular consequence: synonymous variant. On other transcripts: non-coding transcript variant (1).
Genome position (GRCh38, 1-based): chr5:6,632,736, G>A on the plus strand (C>T on the coding strand, the complement: NSUN2 is on the minus strand). VCF-style: chr5-6632736-G-A. GRCh37 (hg19) VCF-style: chr5-6632849-G-A.
Other names: c.117C>T, p.Pro39= (NM_001193455.2).
Identifiers: ClinVar variation 588110 (VCV000588110.18), dbSNP rs138016489, ClinGen allele CA3192926.

ClinVar aggregate classification (germline): Likely benign. Review status: criteria provided, multiple submitters, no conflicts (2 of 4 stars). 5 submissions from 5 submitters: Likely benign (4). 1 of the submissions does not count toward it. Last evaluated 2025-11-13.

Conditions:
NSUN2-related disorder. Also called: NSUN2-related condition.
Inborn genetic diseases. Identifiers: MedGen C0950123, MeSH D030342.

Allele frequency attached by ClinVar (database versions not stated): gnomAD exomes 0.00012; ExAC 0.00019; 1000 Genomes Project 30x 0.00031; 1000 Genomes Project 0.00040; TOPMed 0.00047; gnomAD 0.00052 and 0.00057; ESP Exome Variant Server 0.00062.

Submissions (5):

Labcorp Genetics (formerly Invitae), Labcorp
Classification: Likely benign. Last evaluated: 2025-11-13. Review status: criteria provided, single submitter. Criteria: Invitae Variant Classification Sherloc (09022015). Collection method: clinical testing. Allele origin: germline.

Blueprint Genetics
Classification: Likely benign. Last evaluated: 2024-07-15. Review status: criteria provided, single submitter. Criteria: ACMG Guidelines, 2015. Collection method: clinical testing. Allele origin: germline.

GeneDx
Classification: Likely benign. Last evaluated: 2020-09-21. Review status: criteria provided, single submitter. Criteria: GeneDx Variant Classification Process June 2021. Collection method: clinical testing. Allele origin: germline. Affected: yes.

Ambry Genetics
Classification: Likely benign for Inborn genetic diseases. Last evaluated: 2016-07-28. Review status: criteria provided, single submitter. Criteria: Ambry Variant Classification Scheme 2023. Collection method: clinical testing. Allele origin: germline.

PreventionGenetics, part of Exact Sciences
Classification: Likely benign for NSUN2-related condition. Last evaluated: 2020-02-20. Review status: no assertion criteria provided. Collection method: clinical testing. Allele origin: germline. Not counted in ClinVar's aggregate classification.
Comment: This variant is classified as likely benign based on ACMG/AMP sequence variant interpretation guidelines (Richards et al. 2015 PMID: 25741868, with internal and published modifications).